The following is an entry in ClinVar:

NM_001135254.2(PAX7):c.398T>C (p.Ile133Thr)

Gene: PAX7 (paired box 7; plus strand). Cytogenetic location: 1p36.13.
Variant type: single nucleotide variant.
Coding change: c.398T>C on transcript NM_001135254.2 (MANE Select); coding-DNA position 398, T replaced by C.
Protein change: p.Ile133Thr; replaces isoleucine 133 with threonine.
Molecular consequence: missense variant.
Genome position (GRCh38, 1-based): chr1:18,635,187, T>C. VCF-style: chr1-18635187-T-C. GRCh37 (hg19) VCF-style: chr1-18961681-T-C.
Other names: c.398T>C, p.Ile133Thr (NM_002584.3, NM_013945.3); short protein forms I133T.
Identifiers: ClinVar variation 1027713 (VCV001027713.1), dbSNP rs1427053032, ClinGen allele CA338291370.
Genomic context (GRCh38, chr1:18,635,187, plus strand): 5'-ATGTAGAGAAAAAGATTGAGGAGTACAAGAGGGAAAACCCAGGCATGTTCAGCTGGGAGA[T>C]CCGGGACAGGCTGCTGAAGGATGGGCACTGTGACCGAAGCACTGTGCCCTCAGGTGAGAA-3'
Protein context (NP_001128726.1, residues 123-143): RENPGMFSWE[Ile133Thr]RDRLLKDGHC

ClinVar aggregate classification (germline): Uncertain significance (1 of 4 stars; one submission).

Conditions:
Myopathy, congenital, progressive, with scoliosis. Also called: CONGENITAL MYOPATHY 19. Identifiers: MedGen C5231417, MONDO:0032821, OMIM 618578.

Allele frequency attached by ClinVar (database versions not stated): TOPMed 0.00001.
gnomAD v4.1: 10 of 1,613,910 alleles (0.00062%); highest among the groups gnomAD compares: Non-Finnish European, 0.00085%; no homozygotes.

Submission:

Baylor Genetics
Classification: Uncertain significance for Myopathy, congenital, progressive, with scoliosis. Last evaluated: 2020-11-08. Review status: criteria provided, single submitter. Criteria: ACMG Guidelines, 2015. Collection method: clinical testing. Allele origin: unknown. Affected: yes.
Comment: This variant was determined to be of uncertain significance according to ACMG Guidelines, 2015 [PMID:25741868].